The following is an entry in ClinVar:

ClinVar aggregate classification (germline): Uncertain significance (1 of 4 stars; one submission).

Allele frequency attached by ClinVar (database versions not stated): TOPMed below 0.00001; gnomAD 0.00002 and 0.00003.
gnomAD v4.1: 3 of 1,613,484 alleles (0.00019%); highest among the groups gnomAD compares: African/African-American, 0.004%; no homozygotes.

Submission:

GeneDx
Classification: Uncertain significance. Last evaluated: 2021-06-04. Review status: criteria provided, single submitter. Criteria: GeneDx Variant Classification Process June 2021. Collection method: clinical testing. Allele origin: germline. Affected: yes.
Comment: In silico analysis supports that this missense variant has a deleterious effect on protein structure/function; Has not been previously published as pathogenic or benign to our knowledge; This variant is associated with the following publications: (PMID: 27535533)

NM_015100.4(POGZ):c.2057C>T (p.Thr686Ile)

Gene: POGZ (pogo transposable element derived with ZNF domain; minus strand). Cytogenetic location: 1q21.3.
Variant type: single nucleotide variant.
Coding change: c.2057C>T on transcript NM_015100.4 (MANE Select); coding-DNA position 2057, C replaced by T.
Protein change: p.Thr686Ile; replaces threonine 686 with isoleucine.
Molecular consequence: missense variant.
Genome position (GRCh38, 1-based): chr1:151,408,698, G>A on the plus strand (C>T on the coding strand, the complement: POGZ is on the minus strand). VCF-style: chr1-151408698-G-A. GRCh37 (hg19) VCF-style: chr1-151381174-G-A.
Other names: c.2030C>T, p.Thr677Ile (NM_001194937.2); c.1871C>T, p.Thr624Ile (NM_001194938.2); c.1772C>T, p.Thr591Ile (NM_145796.4); c.1898C>T, p.Thr633Ile (NM_207171.2); short protein forms T591I, T624I, T633I, T677I, T686I.
Identifiers: ClinVar variation 1327157 (VCV001327157.2), dbSNP rs1161916264, ClinGen allele CA341958998.